The following is an entry in ClinVar:

NM_001101362.3(KBTBD13):c.1129G>A (p.Gly377Ser)

Gene: KBTBD13 (kelch repeat and BTB domain containing 13; plus strand). Cytogenetic location: 15q22.31.
Variant type: single nucleotide variant.
Coding change: c.1129G>A on transcript NM_001101362.3 (MANE Select); coding-DNA position 1129, G replaced by A.
Protein change: p.Gly377Ser; replaces glycine 377 with serine.
Molecular consequence: missense variant.
Genome position (GRCh38, 1-based): chr15:65,077,944, G>A. VCF-style: chr15-65077944-G-A. GRCh37 (hg19) VCF-style: chr15-65370282-G-A.
Other names: short protein forms G377S.
Identifiers: ClinVar variation 1036361 (VCV001036361.8), dbSNP rs1322919655, ClinGen allele CA392865481.
Genomic context (GRCh38, chr15:65,077,944, plus strand): 5'-CGCAACGGACCTTCCGACGACTTCCTGCACTGCGCCATCGACTGTCTCAACCTGGCCACG[G>A]GCCAGTGGACGGCGCTGCCCGGCCAGTTCGTCAACAGCAAGGGAGCGCTCTTCACGGCCG-3'
Protein context (NP_001094832.1, residues 367-387): CAIDCLNLAT[Gly377Ser]QWTALPGQFV

ClinVar aggregate classification (germline): Uncertain significance (1 of 4 stars; one submission).

Conditions:
Nemaline myopathy 6 (NEM6). Also called: Nemaline myopathy 6, autosomal dominant. Identifiers: Orphanet 171439, MedGen C1836472, MONDO:0012237, OMIM 609273.

Allele frequency attached by ClinVar (database versions not stated): TOPMed below 0.00001; gnomAD 0.00001.

Submission:

Labcorp Genetics (formerly Invitae), Labcorp
Classification: Uncertain significance for Nemaline myopathy 6. Last evaluated: 2020-10-16. Review status: criteria provided, single submitter. Criteria: Invitae Variant Classification Sherloc (09022015). Collection method: clinical testing. Allele origin: germline.
Comment: This variant is not present in population databases (ExAC no frequency). This sequence change replaces glycine with serine at codon 377 of the KBTBD13 protein (p.Gly377Ser). The glycine residue is moderately conserved and there is a small physicochemical difference between glycine and serine. In summary, the available evidence is currently insufficient to determine the role of this variant in disease. Therefore, it has been classified as a Variant of Uncertain Significance. Algorithms developed to predict the effect of missense changes on protein structure and function are either unavailable or do not agree on the potential impact of this missense change (SIFT: "Tolerated"; PolyPhen-2: "Possibly Damaging"; Align-GVGD: "Class C0"). This variant has not been reported in the literature in individuals with KBTBD13-related conditions.